The following is an entry in ClinVar:

NM_000038.6(APC):c.548A>T (p.Asp183Val)

Gene: APC (APC regulator of Wnt signaling pathway; plus strand). Cytogenetic location: 5q22.2.
Variant type: single nucleotide variant.
Coding change: c.548A>T on transcript NM_000038.6 (MANE Select); coding-DNA position 548, A replaced by T.
Protein change: p.Asp183Val; replaces aspartic acid 183 with valine.
Molecular consequence: missense variant. On other transcripts: 5 prime UTR variant (1).
Genome position (GRCh38, 1-based): chr5:112,780,806, A>T. VCF-style: chr5-112780806-A-T. GRCh37 (hg19) VCF-style: chr5-112116503-A-T.
Other names: c.548A>T, p.Asp183Val (NM_001127510.3, NM_001354895.2, NM_001354896.2 and 2 more transcripts); c.578A>T, p.Asp193Val (NM_001127511.3, NM_001354897.2, NM_001354902.2); c.473A>T, p.Asp158Val (NM_001354898.2, NM_001354904.2); c.371A>T, p.Asp124Val (NM_001354900.2, NM_001354901.2, NM_001354905.2); c.-488A>T (NM_001354906.2); short protein forms D124V, D158V, D193V, D183V.
Identifiers: ClinVar variation 940817 (VCV000940817.14), dbSNP rs1758239334, ClinGen allele CA16022530.

ClinVar aggregate classification (germline): Uncertain significance. Review status: criteria provided, multiple submitters, no conflicts (2 of 4 stars). 2 submissions from 2 submitters: Uncertain significance (2). Last evaluated 2024-11-26.

Conditions:
Familial adenomatous polyposis 1 (FAP1). Also called: FAMILIAL ADENOMATOUS POLYPOSIS 1, ATTENUATED; POLYPOSIS, ADENOMATOUS INTESTINAL. Identifiers: MedGen C2713442, MONDO:0021056, OMIM 175100. Disease mechanism: loss of function.
Hereditary cancer-predisposing syndrome. Also called: Hereditary neoplastic syndrome; Neoplastic Syndromes, Hereditary; Tumor predisposition; Hereditary Cancer Syndrome. Identifiers: Orphanet 140162, MedGen C0027672, MeSH D009386, MONDO:0015356.

Allele frequency attached by ClinVar (database versions not stated): gnomAD 0.00001.
gnomAD v4.1: 1 of 1,611,700 alleles (0.000062%); highest among the groups gnomAD compares: Admixed American, 0.0017%; no homozygotes.

Submissions (2):

Ambry Genetics
Classification: Uncertain significance for Hereditary cancer-predisposing syndrome. Last evaluated: 2024-11-26. Review status: criteria provided, single submitter. Criteria: Ambry Variant Classification Scheme 2023. Collection method: clinical testing. Allele origin: germline.
Comment: The p.D183V variant (also known as c.548A>T), located in coding exon 5 of the APC gene, results from an A to T substitution at nucleotide position 548. The aspartic acid at codon 183 is replaced by valine, an amino acid with highly dissimilar properties. This amino acid position is conserved. In addition, in silico predictors for this gene do not accurately predict pathogenicity. Based on the available evidence, the clinical significance of this variant remains unclear.

Labcorp Genetics (formerly Invitae), Labcorp
Classification: Uncertain significance for Familial adenomatous polyposis 1. Last evaluated: 2022-07-19. Review status: criteria provided, single submitter. Criteria: Invitae Variant Classification Sherloc (09022015). Collection method: clinical testing. Allele origin: germline.
Comment: This variant is not present in population databases (gnomAD no frequency). In summary, the available evidence is currently insufficient to determine the role of this variant in disease. Therefore, it has been classified as a Variant of Uncertain Significance. Algorithms developed to predict the effect of missense changes on protein structure and function (SIFT, PolyPhen-2, Align-GVGD) all suggest that this variant is likely to be disruptive. ClinVar contains an entry for this variant (Variation ID: 940817). This variant has not been reported in the literature in individuals affected with APC-related conditions. This sequence change replaces aspartic acid, which is acidic and polar, with valine, which is neutral and non-polar, at codon 183 of the APC protein (p.Asp183Val).